The following is an entry in ClinVar:

ClinVar aggregate classification (germline): Uncertain significance (1 of 4 stars; one submission).

Allele frequency attached by ClinVar (database versions not stated): gnomAD 0.00001.

Submission:

Labcorp Genetics (formerly Invitae), Labcorp
Classification: Uncertain significance. Last evaluated: 2022-10-27. Review status: criteria provided, single submitter. Criteria: Invitae Variant Classification Sherloc (09022015). Collection method: clinical testing. Allele origin: germline.
Comment: In summary, the available evidence is currently insufficient to determine the role of this variant in disease. Therefore, it has been classified as a Variant of Uncertain Significance. Advanced modeling of protein sequence and biophysical properties (such as structural, functional, and spatial information, amino acid conservation, physicochemical variation, residue mobility, and thermodynamic stability) performed at Invitae indicates that this missense variant is expected to disrupt WNT1 protein function. This variant has not been reported in the literature in individuals affected with WNT1-related conditions. This variant is not present in population databases (gnomAD no frequency). This sequence change replaces arginine, which is basic and polar, with cysteine, which is neutral and slightly polar, at codon 66 of the WNT1 protein (p.Arg66Cys).

NM_005430.4(WNT1):c.196C>T (p.Arg66Cys)

Gene: WNT1 (Wnt family member 1; plus strand). Cytogenetic location: 12q13.12.
Variant type: single nucleotide variant.
Coding change: c.196C>T on transcript NM_005430.4 (MANE Select); coding-DNA position 196, C replaced by T.
Protein change: p.Arg66Cys; replaces arginine 66 with cysteine.
Molecular consequence: missense variant.
Genome position (GRCh38, 1-based): chr12:48,979,559, C>T. VCF-style: chr12-48979559-C-T. GRCh37 (hg19) VCF-style: chr12-49373342-C-T.
Other names: short protein forms R66C.
Identifiers: ClinVar variation 2974587 (VCV002974587.3), dbSNP rs1940982824, ClinGen allele CA384627496.